The following is an entry in ClinVar:

ClinVar aggregate classification (germline): Uncertain significance (1 of 4 stars; one submission).

Conditions:
Arginine:glycine amidinotransferase deficiency (CCDS3). Also called: L-Arginine:Glycine Amidinotransferase Deficiency; L-Arginine:Glycine Amidinotransferase (AGAT) Deficiency; Cerebral creatine deficiency syndrome 3; AGAT deficiency; Creatine deficiency syndrome due to AGAT deficiency; GATM deficiency. Identifiers: Orphanet 35704, MedGen C2675179, MONDO:0012996, OMIM 612718.

Allele frequency attached by ClinVar (database versions not stated): gnomAD exomes below 0.00001; TOPMed below 0.00001.
gnomAD v4.1: 3 of 1,613,848 alleles (0.00019%); highest among the groups gnomAD compares: Non-Finnish European, 0.00017%; no homozygotes.

Submission:

Labcorp Genetics (formerly Invitae), Labcorp
Classification: Uncertain significance for Arginine:glycine amidinotransferase deficiency. Last evaluated: 2024-10-22. Review status: criteria provided, single submitter. Criteria: Invitae Variant Classification Sherloc (09022015). Collection method: clinical testing. Allele origin: germline.
Comment: This sequence change falls in intron 4 of the GATM gene. It does not directly change the encoded amino acid sequence of the GATM protein. This variant is not present in population databases (gnomAD no frequency). This variant has not been reported in the literature in individuals affected with GATM-related conditions. ClinVar contains an entry for this variant (Variation ID: 1917050). Algorithms developed to predict the effect of sequence changes on RNA splicing suggest that this variant may disrupt the consensus splice site. In summary, the available evidence is currently insufficient to determine the role of this variant in disease. Therefore, it has been classified as a Variant of Uncertain Significance.

NM_001482.3(GATM):c.676-5A>G

Gene: GATM (glycine amidinotransferase; minus strand). Cytogenetic location: 15q21.1.
Variant type: single nucleotide variant.
Coding change: c.676-5A>G on transcript NM_001482.3 (MANE Select); 5 bases into the intron before coding-DNA position 676, A replaced by G.
Molecular consequence: intron variant.
Genome position (GRCh38, 1-based): chr15:45,366,513, T>C on the plus strand (A>G on the coding strand, the complement: GATM is on the minus strand). VCF-style: chr15-45366513-T-C. GRCh37 (hg19) VCF-style: chr15-45658711-T-C.
Other names: c.289-5A>G (NM_001321015.2).
Identifiers: ClinVar variation 1917050 (VCV001917050.5), dbSNP rs1889450736, ClinGen allele CA2174061598.
Genomic context (GRCh38, chr15:45,366,513, plus strand): 5'-AATTTTCCCTGAGCAGCCAATTTGTGTCTGTCTTCTACAGAGTGGATGGGATAATCCTAA[T>C]TGGAACAAGAATGAACACACACAATGCACTGGATCATGAGAAAATTATTCATAAGGCATA-3'